The following is an entry in ClinVar:

NM_015512.5(DNAH1):c.4900G>T (p.Glu1634Ter)

Gene: DNAH1 (dynein axonemal heavy chain 1; plus strand). Cytogenetic location: 3p21.1.
Variant type: single nucleotide variant.
Coding change: c.4900G>T on transcript NM_015512.5 (MANE Select); coding-DNA position 4900, G replaced by T.
Protein change: p.Glu1634Ter; replaces glutamic acid 1634 with a stop codon.
Molecular consequence: nonsense.
Genome position (GRCh38, 1-based): chr3:52,361,686, G>T. VCF-style: chr3-52361686-G-T. GRCh37 (hg19) VCF-style: chr3-52395702-G-T.
Other names: p.Glu1634*; short protein forms E1634*.
Identifiers: ClinVar variation 4540884 (VCV004540884.3), dbSNP rs200432701.

ClinVar aggregate classification (germline): Conflicting classifications of pathogenicity. Review status: criteria provided, conflicting classifications (1 of 4 stars). 3 submissions from 3 submitters: Likely pathogenic (2); Uncertain significance (1). Last evaluated 2025-10-21.

Conditions:
DNAH1-related disorder. Also called: DNAH1-related condition.

gnomAD v4.1: 108 of 1,609,646 alleles (0.0067%); highest among the groups gnomAD compares: Non-Finnish European, 0.00068%; 2 homozygotes.

Submissions (3):

PreventionGenetics, part of Exact Sciences
Classification: Likely pathogenic for DNAH1-related condition. Last evaluated: 2025-10-21. Review status: criteria provided, single submitter. Criteria: ACMG Guidelines, 2015. Collection method: clinical testing. Allele origin: germline.
Comment: The DNAH1 c.4900G>T variant is predicted to result in premature protein termination (p.Glu1634*). To our knowledge, this variant has not been reported in the literature. This variant is reported in 0.13% of alleles in individuals of European (Finnish) descent in gnomAD. Nonsense variants in DNAH1 are expected to be pathogenic. This variant is interpreted as likely pathogenic.

Mayo Clinic Laboratories, Mayo Clinic
Classification: Likely pathogenic. Last evaluated: 2025-02-19. Review status: criteria provided, single submitter. Criteria: ACMG Guidelines, 2015. Collection method: clinical testing. Allele origin: germline. Observed: 1 variant allele.
Comment: PM2_supporting, PVS1

Blueprint Genetics
Classification: Uncertain significance. Last evaluated: 2024-09-12. Review status: criteria provided, single submitter. Criteria: ACMG Guidelines, 2015. Collection method: clinical testing. Allele origin: germline.